The following is an entry in ClinVar:

NM_000059.4(BRCA2):c.4691C>G (p.Ala1564Gly)

Gene: BRCA2 (BRCA2 DNA repair associated; plus strand). Cytogenetic location: 13q13.1.
Variant type: single nucleotide variant.
Coding change: c.4691C>G on transcript NM_000059.4 (MANE Select); coding-DNA position 4691, C replaced by G.
Protein change: p.Ala1564Gly; replaces alanine 1564 with glycine.
Molecular consequence: missense variant.
Genome position (GRCh38, 1-based): chr13:32,339,046, C>G. VCF-style: chr13-32339046-C-G. GRCh37 (hg19) VCF-style: chr13-32913183-C-G.
Other names: c.4691C>G, p.Ala1564Gly (NM_001406719.1, NM_001406720.1); short protein forms A1564G.
Identifiers: ClinVar variation 1742483 (VCV001742483.4), dbSNP rs2137509103, ClinGen allele CA387782863.

ClinVar aggregate classification (germline): Conflicting classifications of pathogenicity. Review status: criteria provided, conflicting classifications (1 of 4 stars). 2 submissions from 2 submitters: Uncertain significance (1); Likely benign (1). Last evaluated 2023-03-23.

Conditions:
Hereditary cancer-predisposing syndrome. Also called: Hereditary Cancer Syndrome; Hereditary neoplastic syndrome; Neoplastic Syndromes, Hereditary; Tumor predisposition. Identifiers: Orphanet 140162, MedGen C0027672, MeSH D009386, MONDO:0015356.

Submissions (2):

University of Washington Department of Laboratory Medicine, University of Washington
Classification: Likely benign for Hereditary cancer-predisposing syndrome. Last evaluated: 2023-03-23. Review status: criteria provided, single submitter. Criteria: Dines et al. (Genet Med. 2020). Collection method: curation. Allele origin: germline.
Comment: Missense variant in a coldspot region where missense variants are very unlikely to be pathogenic (PMID:31911673).

BRCA2 exon 11 coldspot. Reclassification based on statistical prior probability.

Ambry Genetics
Classification: Uncertain significance for Hereditary cancer-predisposing syndrome. Last evaluated: 2021-11-17. Review status: criteria provided, single submitter. Criteria: Ambry Variant Classification Scheme 2023. Collection method: clinical testing. Allele origin: germline.
Comment: The p.A1564G variant (also known as c.4691C>G), located in coding exon 10 of the BRCA2 gene, results from a C to G substitution at nucleotide position 4691. The alanine at codon 1564 is replaced by glycine, an amino acid with similar properties. This amino acid position is not well conserved in available vertebrate species. In addition, this alteration is predicted to be tolerated by in silico analysis. Since supporting evidence is limited at this time, the clinical significance of this alteration remains unclear.